The following is an entry in ClinVar:

NM_000038.6(APC):c.458A>C (p.Lys153Thr)

Gene: APC (APC regulator of Wnt signaling pathway; plus strand). Cytogenetic location: 5q22.2.
Variant type: single nucleotide variant.
Coding change: c.458A>C on transcript NM_000038.6 (MANE Select); coding-DNA position 458, A replaced by C.
Protein change: p.Lys153Thr; replaces lysine 153 with threonine.
Molecular consequence: missense variant. On other transcripts: 5 prime UTR variant (1).
Genome position (GRCh38, 1-based): chr5:112,775,664, A>C. VCF-style: chr5-112775664-A-C. GRCh37 (hg19) VCF-style: chr5-112111361-A-C.
Other names: c.458A>C, p.Lys153Thr (NM_001127510.3, NM_001354895.2, NM_001354896.2 and 2 more transcripts); c.488A>C, p.Lys163Thr (NM_001127511.3, NM_001354897.2, NM_001354902.2); c.383A>C, p.Lys128Thr (NM_001354898.2, NM_001354904.2); c.281A>C, p.Lys94Thr (NM_001354900.2, NM_001354901.2, NM_001354905.2); c.-578A>C (NM_001354906.2); short protein forms K153T, K163T, K128T, K94T.
Identifiers: ClinVar variation 927374 (VCV000927374.6), dbSNP rs754553913, ClinGen allele CA16022320.
Genomic context (GRCh38, chr5:112,775,664, plus strand): 5'-CCTTTTTTTAAAAAAAAAAAAATAGGTCATTGCTTCTTGCTGATCTTGACAAAGAAGAAA[A>C]GGAAAAAGACTGGTATTACGCTCAACTTCAGAATCTCACTAAAAGAATAGATAGTCTTCC-3'
Protein context (NP_000029.2, residues 143-163): LLLADLDKEE[Lys153Thr]EKDWYYAQLQ

ClinVar aggregate classification (germline): Uncertain significance. Review status: criteria provided, multiple submitters, no conflicts (2 of 4 stars). 2 submissions from 2 submitters: Uncertain significance (2). Last evaluated 2024-03-06.

Conditions:
Hereditary cancer-predisposing syndrome. Also called: Neoplastic Syndromes, Hereditary; Hereditary Cancer Syndrome; Tumor predisposition; Hereditary neoplastic syndrome. Identifiers: Orphanet 140162, MedGen C0027672, MeSH D009386, MONDO:0015356.

Submissions (2):

Color Diagnostics, LLC DBA Color Health
Classification: Uncertain significance for Hereditary cancer-predisposing syndrome. Last evaluated: 2024-03-06. Review status: criteria provided, single submitter. Criteria: ACMG Guidelines, 2015. Collection method: clinical testing. Allele origin: germline.
Comment: This missense variant replaces lysine with threonine at codon 153 of the APC protein. Computational prediction is inconclusive regarding the impact of this variant on protein structure and function (internally defined REVEL score threshold 0.5 < inconclusive < 0.7, PMID: 27666373). Splice site prediction tools suggest that this variant may not impact RNA splicing. To our knowledge, functional studies have not been performed for this variant. This variant has not been reported in individuals affected with hereditary cancer in the literature. This variant has not been identified in the general population by the Genome Aggregation Database (gnomAD). The available evidence is insufficient to determine the role of this variant in disease conclusively. Therefore, this variant is classified as a Variant of Uncertain Significance.

Ambry Genetics
Classification: Uncertain significance for Hereditary cancer-predisposing syndrome. Last evaluated: 2023-07-09. Review status: criteria provided, single submitter. Criteria: Ambry Variant Classification Scheme 2023. Collection method: clinical testing. Allele origin: germline.
Comment: The p.K153T variant (also known as c.458A>C), located in coding exon 4 of the APC gene, results from an A to C substitution at nucleotide position 458. The lysine at codon 153 is replaced by threonine, an amino acid with similar properties. This amino acid position is conserved. In addition, in silico predictors for this gene do not accurately predict pathogenicity. Since supporting evidence is limited at this time, the clinical significance of this alteration remains unclear.